The following is an entry in ClinVar:

ClinVar aggregate classification (germline): Conflicting classifications of pathogenicity. Review status: criteria provided, conflicting classifications (1 of 4 stars). 4 submissions from 4 submitters: Pathogenic (1); Likely pathogenic (1); Uncertain significance (1). 1 of the submissions does not count toward it. Last evaluated 2026-06-21.

Conditions:
Autosomal recessive congenital ichthyosis 2 (ARCI2). Identifiers: Orphanet 281122, Orphanet 79394, MedGen C3888093, MONDO:0009439, OMIM 242100.

Allele frequency attached by ClinVar (database versions not stated): gnomAD exomes 0.00001; TOPMed 0.00001; gnomAD 0.00001.
gnomAD v4.1: 12 of 1,551,162 alleles (0.00077%); highest among the groups gnomAD compares: African/African-American, 0.0027%; no homozygotes.

Submissions (4):

GeneDx
Classification: Likely pathogenic. Last evaluated: 2026-06-21. Review status: criteria provided, single submitter. Criteria: GeneDx Variant Classification Process June 2021. Collection method: clinical testing. Allele origin: germline.
Comment: Observed in the homozygous state in two cousins from one family and in an unrelated individual with congenital ichthyosis from the published literature (PMID: 32253496, 33435499); Not observed at significant frequency in large population cohorts (gnomAD); In silico analysis supports that this missense variant has a deleterious effect on protein structure/function; This variant is associated with the following publications: (PMID: 32253496, 33435499, 34851365, 20222929)

Labcorp Genetics (formerly Invitae), Labcorp
Classification: Pathogenic. Last evaluated: 2025-09-23. Review status: criteria provided, single submitter. Criteria: Invitae Variant Classification Sherloc (09022015). Collection method: clinical testing. Allele origin: germline.
Comment: This sequence change replaces arginine, which is basic and polar, with glutamine, which is neutral and polar, at codon 442 of the ALOX12B protein (p.Arg442Gln). The frequency data for this variant in the population databases is considered unreliable, as metrics indicate poor data quality at this position in the gnomAD database. This missense change has been observed in individual(s) with autosomal recessive congenital ichthyosis (PMID: 20222929, 32253496, 33435499). It has also been observed to segregate with disease in related individuals. ClinVar contains an entry for this variant (Variation ID: 889407). Invitae Evidence Modeling of protein sequence and biophysical properties (such as structural, functional, and spatial information, amino acid conservation, physicochemical variation, residue mobility, and thermodynamic stability) has been performed for this missense variant. However, the output from this modeling did not meet the statistical confidence thresholds required to predict the impact of this variant on ALOX12B protein function. For these reasons, this variant has been classified as Pathogenic.

Illumina Laboratory Services, Illumina
Classification: Uncertain significance for Autosomal recessive congenital ichthyosis 2. Last evaluated: 2017-04-27. Review status: criteria provided, single submitter. Criteria: ICSL Variant Classification Criteria 13 December 2019. Collection method: clinical testing. Allele origin: germline.
Comment: This variant was observed as part of a predisposition screen in an ostensibly healthy population. A literature search was performed for the gene, cDNA change, and amino acid change (where applicable). Publications were found based on this search. However, the evidence from the literature, in combination with allele frequency data from public databases where available, was not sufficient to rule this variant in or out of causing disease. Therefore, this variant is classified as a variant of unknown significance.

Institute for Human Genetics, University Medical Center Freiburg
Classification: Pathogenic for Autosomal recessive congenital ichthyosis 2. Last evaluated: 2021-01-07. Review status: no assertion criteria provided. Collection method: clinical testing. Allele origin: unknown. Affected: yes. Not counted in ClinVar's aggregate classification.

Literature cited by the submitters: PubMed 20222929 (cited by 3 submitters); PubMed 32253496 (cited by Labcorp Genetics (formerly Invitae), Labcorp); PubMed 33435499 (cited by Labcorp Genetics (formerly Invitae), Labcorp).

NM_001139.3(ALOX12B):c.1325G>A (p.Arg442Gln)

Gene: ALOX12B (arachidonate 12-lipoxygenase, 12R type; minus strand). Cytogenetic location: 17p13.1.
Variant type: single nucleotide variant.
Coding change: c.1325G>A on transcript NM_001139.3 (MANE Select); coding-DNA position 1325, G replaced by A.
Protein change: p.Arg442Gln; replaces arginine 442 with glutamine.
Molecular consequence: missense variant.
Genome position (GRCh38, 1-based): chr17:8,076,694, C>T on the plus strand (G>A on the coding strand, the complement: ALOX12B is on the minus strand). VCF-style: chr17-8076694-C-T. GRCh37 (hg19) VCF-style: chr17-7980012-C-T.
Other names: short protein forms R442Q.
Identifiers: ClinVar variation 889407 (VCV000889407.9), dbSNP rs1028050037, ClinGen allele CA287544275.
Genomic context (GRCh38, chr17:8,076,694, plus strand): 5'-GGGGTTGGGGGCAGAAGTCTTACCTTGGCAGAGAGCCCCCCCTCATTGAGGAGAACGGCC[C>T]GGCCAATGCTGTTGATCTGGACGGTGTATCGGGTATGGGGGATGAGGAGCTGTGGGGAGA-3'
Protein context (NP_001130.1, residues 432-452): RYTVQINSIG[Arg442Gln]AVLLNEGGLS